The following is an entry in ClinVar:

NM_001386298.1(CIC):c.2982A>C (p.Pro994=)

Gene: CIC (capicua transcriptional repressor; plus strand). Cytogenetic location: 19q13.2.
Variant type: single nucleotide variant.
Coding change: c.2982A>C on transcript NM_001386298.1 (MANE Select); coding-DNA position 2982, A replaced by C.
Protein change: p.Pro994=; no amino-acid change (proline 994 retained).
Molecular consequence: synonymous variant.
Genome position (GRCh38, 1-based): chr19:42,287,043, A>C. VCF-style: chr19-42287043-A-C. GRCh37 (hg19) VCF-style: chr19-42791195-A-C.
Other names: c.2982A>C, p.Pro994= (NM_001304815.2, NM_001379480.1, NM_001379482.1 and 6 more transcripts); c.255A>C, p.Pro85= (NM_001379484.1, NM_001379485.1, NM_001439189.1 and 3 more transcripts).
Identifiers: ClinVar variation 4084897 (VCV004084897.8).

ClinVar aggregate classification (germline): Likely benign (1 of 4 stars; one submission).

gnomAD v4.1: 1 of 1,611,818 alleles (0.000062%); no homozygotes.

Submission:

CeGaT Center for Human Genetics Tuebingen
Classification: Likely benign. Last evaluated: 2025-08-01. Review status: criteria provided, single submitter. Criteria: CeGaT Center For Human Genetics Tuebingen Variant Classification Criteria Version 2. Collection method: clinical testing. Allele origin: germline. Affected: yes. Observed: 1 variant allele.
Comment: CIC: BP4, BP7